The following is an entry in ClinVar:

ClinVar aggregate classification (germline): Uncertain significance. Review status: criteria provided, multiple submitters, no conflicts (2 of 4 stars). 3 submissions from 3 submitters: Uncertain significance (3). Last evaluated 2025-03-07.

Conditions:
Inborn genetic diseases. Identifiers: MedGen C0950123, MeSH D030342.
Sucrase-isomaltase deficiency (CSID). Also called: SI DEFICIENCY; Congenital sucrose isomaltose malabsorption; Sucrose isomaltose enzyme deficiency; Deficiency of isomaltase. Identifiers: Orphanet 35122, MedGen C1283620, MONDO:0009114, OMIM 222900.

Allele frequency attached by ClinVar (database versions not stated): gnomAD 0.00001; gnomAD exomes 0.00001; ExAC 0.00002; TOPMed 0.00003; ESP Exome Variant Server 0.00015.
gnomAD v4.1: 13 of 1,612,396 alleles (0.00081%); highest among the groups gnomAD compares: African/African-American, 0.004%; no homozygotes.

Submissions (3):

Ambry Genetics
Classification: Uncertain significance for Inborn genetic diseases. Last evaluated: 2025-03-07. Review status: criteria provided, single submitter. Criteria: Ambry Variant Classification Scheme 2023. Collection method: clinical testing. Allele origin: germline.

Labcorp Genetics (formerly Invitae), Labcorp
Classification: Uncertain significance. Last evaluated: 2023-02-25. Review status: criteria provided, single submitter. Criteria: Invitae Variant Classification Sherloc (09022015). Collection method: clinical testing. Allele origin: germline.
Comment: In summary, the available evidence is currently insufficient to determine the role of this variant in disease. Therefore, it has been classified as a Variant of Uncertain Significance. This sequence change replaces threonine, which is neutral and polar, with isoleucine, which is neutral and non-polar, at codon 1120 of the SI protein (p.Thr1120Ile). This variant is present in population databases (rs140725570, gnomAD 0.008%). This variant has not been reported in the literature in individuals affected with SI-related conditions. ClinVar contains an entry for this variant (Variation ID: 1505758). Advanced modeling of protein sequence and biophysical properties (such as structural, functional, and spatial information, amino acid conservation, physicochemical variation, residue mobility, and thermodynamic stability) has been performed at Invitae for this missense variant, however the output from this modeling did not meet the statistical confidence thresholds required to predict the impact of this variant on SI protein function.

Fulgent Genetics
Classification: Uncertain significance for Sucrase-isomaltase deficiency. Last evaluated: 2021-10-22. Review status: criteria provided, single submitter. Criteria: ACMG Guidelines, 2015. Collection method: clinical testing. Allele origin: unknown.

NM_001041.4(SI):c.3359C>T (p.Thr1120Ile)

Gene: SI (sucrase-isomaltase; minus strand). Cytogenetic location: 3q26.1.
Variant type: single nucleotide variant.
Coding change: c.3359C>T on transcript NM_001041.4 (MANE Select); coding-DNA position 3359, C replaced by T.
Protein change: p.Thr1120Ile; replaces threonine 1120 with isoleucine.
Molecular consequence: missense variant.
Genome position (GRCh38, 1-based): chr3:165,019,666, G>A on the plus strand (C>T on the coding strand, the complement: SI is on the minus strand). VCF-style: chr3-165019666-G-A. GRCh37 (hg19) VCF-style: chr3-164737454-G-A.
Other names: c.3359C>T (NM_001041.3); short protein forms T1120I.
Identifiers: ClinVar variation 1505758 (VCV001505758.10), dbSNP rs140725570, ClinGen allele CA2690303.